The following is an entry in ClinVar:

ClinVar aggregate classification (germline): Uncertain significance. Review status: criteria provided, multiple submitters, no conflicts (2 of 4 stars). 2 submissions from 2 submitters: Uncertain significance (2). Last evaluated 2023-06-24.

Conditions:
Hereditary cancer-predisposing syndrome. Also called: Neoplastic Syndromes, Hereditary; Tumor predisposition; Hereditary Cancer Syndrome; Hereditary neoplastic syndrome. Identifiers: Orphanet 140162, MedGen C0027672, MeSH D009386, MONDO:0015356.
Neuroblastoma, susceptibility to, 3. Also called: ALK-Related Neuroblastic Tumor Susceptibility. Identifiers: Orphanet 635, MedGen C2751681, MONDO:0013083, OMIM 613014.

Submissions (2):

Labcorp Genetics (formerly Invitae), Labcorp
Classification: Uncertain significance for Neuroblastoma, susceptibility to, 3. Last evaluated: 2023-06-24. Review status: criteria provided, single submitter. Criteria: Invitae Variant Classification Sherloc (09022015). Collection method: clinical testing. Allele origin: germline.
Comment: This sequence change replaces phenylalanine, which is neutral and non-polar, with leucine, which is neutral and non-polar, at codon 1193 of the ALK protein (p.Phe1193Leu). This variant is not present in population databases (gnomAD no frequency). This variant has not been reported in the literature in individuals affected with ALK-related conditions. ClinVar contains an entry for this variant (Variation ID: 1732850). An algorithm developed to predict the effect of missense changes on protein structure and function (PolyPhen-2) suggests that this variant is likely to be disruptive. In summary, the available evidence is currently insufficient to determine the role of this variant in disease. Therefore, it has been classified as a Variant of Uncertain Significance.

Ambry Genetics
Classification: Uncertain significance for Hereditary cancer-predisposing syndrome. Last evaluated: 2022-09-12. Review status: criteria provided, single submitter. Criteria: Ambry Variant Classification Scheme 2023. Collection method: clinical testing. Allele origin: germline.
Comment: The p.F1193L variant (also known as c.3579C>G), located in coding exon 23 of the ALK gene, results from a C to G substitution at nucleotide position 3579. The phenylalanine at codon 1193 is replaced by leucine, an amino acid with highly similar properties. This amino acid position is conserved. In addition, the in silico prediction for this alteration is inconclusive. Since supporting evidence is limited at this time, the clinical significance of this alteration remains unclear.

NM_004304.5(ALK):c.3579C>G (p.Phe1193Leu)

Gene: ALK (ALK receptor tyrosine kinase; minus strand). Cytogenetic location: 2p23.2.
Variant type: single nucleotide variant.
Coding change: c.3579C>G on transcript NM_004304.5 (MANE Select); coding-DNA position 3579, C replaced by G.
Protein change: p.Phe1193Leu; replaces phenylalanine 1193 with leucine.
Molecular consequence: missense variant.
Genome position (GRCh38, 1-based): chr2:29,220,772, G>C on the plus strand (C>G on the coding strand, the complement: ALK is on the minus strand). VCF-style: chr2-29220772-G-C. GRCh37 (hg19) VCF-style: chr2-29443638-G-C.
Other names: c.375C>G, p.Phe125Leu (NM_001353765.2); short protein forms F125L, F1193L.
Identifiers: ClinVar variation 1732850 (VCV001732850.5), dbSNP rs2148166531, ClinGen allele CA346473074.